The following is an entry in ClinVar:

NM_018941.4(CLN8):c.586C>G (p.Leu196Val)

Gene: CLN8 (CLN8 transmembrane ER and ERGIC protein; plus strand). Cytogenetic location: 8p23.3.
Variant type: single nucleotide variant.
Coding change: c.586C>G on transcript NM_018941.4 (MANE Select); coding-DNA position 586, C replaced by G.
Protein change: p.Leu196Val; replaces leucine 196 with valine.
Molecular consequence: missense variant.
Genome position (GRCh38, 1-based): chr8:1,780,292, C>G. VCF-style: chr8-1780292-C-G. GRCh37 (hg19) VCF-style: chr8-1728458-C-G.
Other names: short protein forms L196V.
Identifiers: ClinVar variation 836830 (VCV000836830.9), dbSNP rs1459482330, ClinGen allele CA369953892.

ClinVar aggregate classification (germline): Uncertain significance (1 of 4 stars; one submission).

Conditions:
Neuronal ceroid lipofuscinosis. Also called: Neuronal Ceroid Lipofuscinoses. Identifiers: Orphanet 216, Orphanet 79263, MedGen C0027877, MONDO:0016295. Disease mechanism: loss of function.

Allele frequency attached by ClinVar (database versions not stated): gnomAD exomes below 0.00001.
gnomAD v4.1: 6 of 1,614,264 alleles (0.00037%); highest among the groups gnomAD compares: Non-Finnish European, 0.00051%; no homozygotes.

Submission:

Labcorp Genetics (formerly Invitae), Labcorp
Classification: Uncertain significance for Neuronal ceroid lipofuscinosis. Last evaluated: 2022-08-16. Review status: criteria provided, single submitter. Criteria: Invitae Variant Classification Sherloc (09022015). Collection method: clinical testing. Allele origin: germline.
Comment: ClinVar contains an entry for this variant (Variation ID: 836830). In summary, the available evidence is currently insufficient to determine the role of this variant in disease. Therefore, it has been classified as a Variant of Uncertain Significance. Algorithms developed to predict the effect of sequence changes on RNA splicing suggest that this variant may create or strengthen a splice site. Advanced modeling of protein sequence and biophysical properties (such as structural, functional, and spatial information, amino acid conservation, physicochemical variation, residue mobility, and thermodynamic stability) performed at Invitae indicates that this missense variant is not expected to disrupt CLN8 protein function. This variant has not been reported in the literature in individuals affected with CLN8-related conditions. This variant is present in population databases (no rsID available, gnomAD 0.0009%). This sequence change replaces leucine, which is neutral and non-polar, with valine, which is neutral and non-polar, at codon 196 of the CLN8 protein (p.Leu196Val).